The following is an entry in ClinVar:

ClinVar aggregate classification (germline): Pathogenic/Likely pathogenic. Review status: criteria provided, multiple submitters, no conflicts (2 of 4 stars). 3 submissions from 3 submitters: Pathogenic (1); Likely pathogenic (1). 1 of the submissions does not count toward it. Last evaluated 2026-05-20.

Conditions:
Dilated cardiomyopathy 1G (CMD1G). Identifiers: Orphanet 154, MedGen C1858763, MONDO:0011400, OMIM 604145.
Autosomal recessive limb-girdle muscular dystrophy type 2J (LGMDR10). Also called: Limb-girdle muscular dystrophy, type 2J; MUSCULAR DYSTROPHY, LIMB-GIRDLE, AUTOSOMAL RECESSIVE 10. Identifiers: Orphanet 140922, MedGen C1837342, MONDO:0012127, OMIM 608807.

Submissions (3):

Clinical Genetics and Genomics, Karolinska University Hospital
Classification: Pathogenic for Dilated cardiomyopathy 1G. Last evaluated: 2026-05-20. Review status: criteria provided, single submitter. Criteria: ACMG Guidelines, 2015. Collection method: clinical testing. Allele origin: germline. Inheritance: Autosomal dominant inheritance. Affected: yes.

Labcorp Genetics (formerly Invitae), Labcorp
Classification: Likely pathogenic for Dilated cardiomyopathy 1G; Limb-girdle muscular dystrophy, type 2J. Last evaluated: 2019-09-18. Review status: criteria provided, single submitter. Criteria: Invitae Variant Classification Sherloc (09022015). Collection method: clinical testing. Allele origin: germline.
Comment: This sequence change results in a premature translational stop signal in the TTN gene (p.Trp20885*). While this is not anticipated to result in nonsense mediated decay, it is expected to create a truncated TTN protein. This variant is not present in population databases (ExAC no frequency). This variant has not been reported in the literature in individuals with TTN-related conditions. This variant is located in the A band of TTN (PMID: 25589632). Truncating variants in this region are significantly overrepresented in patients affected with dilated cardiomyopathy (PMID: 25589632). Truncating variants in this region have also been reported in individuals affected with autosomal recessive centronuclear myopathy (PMID: 23975875). In summary, the currently available evidence indicates that the variant is pathogenic, but additional data are needed to prove that conclusively. Therefore, this variant has been classified as Likely Pathogenic.

Cardiogenetics and Myogenetics Molecular and Cellular Functional Unit, Aphp Sorbonne University-Hopital Pitie Salpetriere
Classification: Likely pathogenic for Dilated cardiomyopathy 1G. Last evaluated: 2024-01-06. Review status: no assertion criteria provided. Collection method: clinical testing. Allele origin: germline. Affected: yes. Not counted in ClinVar's aggregate classification.

Literature cited by the submitters: PubMed 23975875 (cited by Labcorp Genetics (formerly Invitae), Labcorp); PubMed 25589632 (cited by Labcorp Genetics (formerly Invitae), Labcorp).

NM_001267550.2(TTN):c.62655G>A (p.Trp20885Ter)

Genes: TTN (titin; minus strand), TTN-AS1 (TTN antisense RNA 1; plus strand). Cytogenetic location: 2q31.2.
Variant type: single nucleotide variant.
Coding change: c.62655G>A on transcript NM_001267550.2 (MANE Select); coding-DNA position 62655, G replaced by A.
Protein change: p.Trp20885Ter; replaces tryptophan 20885 with a stop codon.
Molecular consequence: nonsense.
Genome position (GRCh38, 1-based): chr2:178,589,070, C>T on the plus strand (G>A on the coding strand, the complement: TTN is on the minus strand). VCF-style: chr2-178589070-C-T. GRCh37 (hg19) VCF-style: chr2-179453797-C-T.
Other names: c.57732G>A, p.Trp19244Ter (NM_001256850.1); c.35460G>A, p.Trp11820Ter (NM_003319.4); c.54951G>A, p.Trp18317Ter (NM_133378.4); c.35835G>A, p.Trp11945Ter (NM_133432.3); c.36036G>A, p.Trp12012Ter (NM_133437.4); short protein forms W20885*, W18317*, W11820*, W12012*, W11945*, W19244*.
Identifiers: ClinVar variation 964612 (VCV000964612.3), dbSNP rs2049677875, ClinGen allele CA349463759.